The following is an entry in ClinVar:

ClinVar aggregate classification (germline): Pathogenic/Likely pathogenic. Review status: criteria provided, multiple submitters, no conflicts (2 of 4 stars). 4 submissions from 4 submitters: Pathogenic (2); Likely pathogenic (2). Last evaluated 2026-09-21.

Conditions:
AKR1D1-related disorder. Also called: AKR1D1-related condition.
Congenital bile acid synthesis defect 2 (CBAS2). Also called: CHOLESTASIS WITH DELTA(4)-3-OXOSTEROID 5-BETA-REDUCTASE DEFICIENCY. Identifiers: Orphanet 79303, MedGen C1856127, MONDO:0009339, OMIM 235555.

Allele frequency attached by ClinVar (database versions not stated): TOPMed below 0.00001; 1000 Genomes Project 30x 0.00016.
gnomAD v4.1: 14 of 1,614,066 alleles (0.00087%); highest among the groups gnomAD compares: South Asian, 0.0066%; no homozygotes.

Submissions (4):

PreventionGenetics, part of Exact Sciences
Classification: Pathogenic for AKR1D1-related condition. Last evaluated: 2026-09-21. Review status: criteria provided, single submitter. Criteria: ACMG Guidelines, 2015. Collection method: clinical testing. Allele origin: germline.
Comment: The AKR1D1 c.796C>T variant is predicted to result in premature protein termination (p.Arg266*). To our knowledge, this variant has not been reported in the literature. An alternate nucleotide change affecting the same amino acid (p.Arg266Gln) has been reported to be causative for congenital bile acid synthesis defect type 2 in the heterozygous (Seki et al. 2012. PubMed ID: 23160874; Zhao et al. 2012. PubMed ID: 23323017) and compound heterozygous state (Chen et al. 2019. PubMed ID: 31337596). This variant is reported in 0.0033% of alleles in individuals of South Asian descent in gnomAD. Nonsense variants in AKR1D1 are expected to be pathogenic. This variant is interpreted as pathogenic.

Genomic Research Center, Shahid Beheshti University of Medical Sciences
Classification: Pathogenic for Congenital bile acid synthesis defect 2. Last evaluated: 2020-05-03. Review status: criteria provided, single submitter. Criteria: ACMG Guidelines, 2015. Collection method: clinical testing. Allele origin: unknown. Affected: yes.

Juno Genomics, Hangzhou Juno Genomics, Inc
Classification: Likely pathogenic for Congenital bile acid synthesis defect 2. Review status: criteria provided, single submitter. Criteria: ACMG Guidelines, 2015. Collection method: clinical testing. Allele origin: germline.
Comment: Null variant in a gene where loss of function (LOF) is a known mechanism of disease.;Absent from controls (or at extremely low frequency if recessive) in Genome Aggregation Database.

Neuberg Centre For Genomic Medicine, NCGM
Classification: Likely pathogenic for Congenital bile acid synthesis defect 2. Review status: criteria provided, single submitter. Criteria: ACMG Guidelines, 2015. Collection method: clinical testing. Allele origin: germline. Inheritance: Autosomal recessive inheritance. Affected: yes.
Comment: The c.796C>T (p.Arg266Ter) stop gained variant in AKR1D1 gene has been submitted to ClinVar as Pathogenic, but no details are available for independent assessment. It has not been reported in affected individuals. This variant is reported with the allele frequency (0.0007%) in the gnomAD and novel in 1000 genome database. The nucleotide change c.796C>T in AKR1D1 is predicted as conserved by GERP++. This variant is predicted to cause loss of normal protein function through protein truncation. Loss of function variants have been previously reported to be disease causing. For these reasons, this variant has been classified as Likely Pathogenic.

NM_005989.4(AKR1D1):c.796C>T (p.Arg266Ter)

Gene: AKR1D1 (aldo-keto reductase family 1 member D1; plus strand). Cytogenetic location: 7q33.
Variant type: single nucleotide variant.
Coding change: c.796C>T on transcript NM_005989.4 (MANE Select); coding-DNA position 796, C replaced by T.
Protein change: p.Arg266Ter; replaces arginine 266 with a stop codon.
Molecular consequence: nonsense.
Genome position (GRCh38, 1-based): chr7:138,107,521, C>T. VCF-style: chr7-138107521-C-T. GRCh37 (hg19) VCF-style: chr7-137792267-C-T.
Other names: c.673C>T, p.Arg225Ter (NM_001190906.2); c.796C>T, p.Arg266Ter (NM_001190907.2); c.796C>T (NM_005989.3); short protein forms R225*, R266*.
Identifiers: ClinVar variation 915331 (VCV000915331.5), dbSNP rs770247815, ClinGen allele CA4502828.